The following is an entry in ClinVar:

ClinVar aggregate classification (germline): Uncertain significance (1 of 4 stars; one submission).

Submission:

GeneDx
Classification: Uncertain significance. Last evaluated: 2021-01-19. Review status: criteria provided, single submitter. Criteria: GeneDx Variant Classification Process June 2021. Collection method: clinical testing. Allele origin: germline. Affected: yes.
Comment: Has not been previously published as pathogenic or benign to our knowledge; Not observed in large population cohorts (Lek et al., 2016); Frameshift variant predicted to result in replacement of the last 108 amino acids with 165 different amino acids, however frameshift variants have not been reported downstream of this variant

NM_001852.4(COL9A2):c.1743del (p.Pro582fs)

Gene: COL9A2 (collagen type IX alpha 2 chain; minus strand). Cytogenetic location: 1p34.2.
Variant type: Deletion.
Coding change: c.1743del on transcript NM_001852.4 (MANE Select); coding-DNA position 1743, one base deleted (T; older notation c.1743delT).
Protein change: p.Pro582fs; shifts the reading frame from proline 582.
Molecular consequence: frameshift variant.
Genome position (GRCh38, 1-based): chr1:40,302,670, A deleted on the plus strand (T on the coding strand, the reverse complement: COL9A2 is on the minus strand); the first of 2 consecutive A bases (chr1:40,302,670-40,302,671); deleting either gives the same sequence. VCF-style (leftmost placement, unchanged base first): chr1-40302669-GA-G. GRCh37 (hg19) VCF-style: chr1-40768341-GA-G.
Other names: short protein forms P582fs.
Identifiers: ClinVar variation 1314048 (VCV001314048.2), dbSNP rs1643931866, ClinGen allele CA1164335636.